The following is an entry in ClinVar:

NM_004859.4(CLTC):c.250+3A>G

Gene: CLTC (clathrin heavy chain; plus strand). Cytogenetic location: 17q23.1.
Variant type: single nucleotide variant.
Coding change: c.250+3A>G on transcript NM_004859.4 (MANE Select); 3 bases into the intron after coding-DNA position 250, A replaced by G.
Molecular consequence: intron variant. On other transcripts: missense variant (1).
Genome position (GRCh38, 1-based): chr17:59,644,486, A>G. VCF-style: chr17-59644486-A-G. GRCh37 (hg19) VCF-style: chr17-57721847-A-G.
Other names: c.253A>G, p.Ile85Val (NM_001288653.2); short protein forms I85V.
Identifiers: ClinVar variation 3254969 (VCV003254969.2), dbSNP rs2509357386.

ClinVar aggregate classification (germline): Likely pathogenic (1 of 4 stars; one submission).

Conditions:
Intellectual developmental disorder, autosomal dominant 56. Also called: MENTAL RETARDATION, AUTOSOMAL DOMINANT 56; Intellectual disability, autosomal dominant 56. Identifiers: MedGen C4693389, MONDO:0030922, OMIM 617854.

Submission:

Victorian Clinical Genetics Services, Murdoch Childrens Research Institute
Classification: Likely pathogenic for Intellectual developmental disorder, autosomal dominant 56. Last evaluated: 2024-10-09. Review status: criteria provided, single submitter. Criteria: ACMG Guidelines, 2015. Collection method: clinical testing. Allele origin: germline. Inheritance: Autosomal dominant inheritance. Affected: yes.
Comment: Based on the classification scheme VCGS_Germline_v1.3.4, this variant is classified as Likely pathogenic. Following criteria are met: 0102 - Loss of function is a known mechanism of disease in this gene and is associated with intellectual developmental disorder 56 (MIM#617854). (I) 0107 - This gene is associated with autosomal dominant disease. (I) 0210 - Splice site variant proven to affect splicing of the transcript with a known effect on protein sequence. RNA studies performed on this individual's sample demonstrated two outcomes. 50% of the transcripts encode a premature termination codon, p.(Val79Leufs*12), which is expected to undergo nonsense-mediated decay. The other 50% utilises a cryptic donor site, resulting in an insertion of 4 amino acids. However, this corresponds to a naturally occurring transcript, NM_001288653.2 (Splicing Diagnostics, Kids Neuroscience Centre, NSW, Australia). (SP) 0251 - This variant is heterozygous. (I) 0301 - Variant is absent from gnomAD (both v2 and v3). (SP) 0705 - No comparable splice site variants have previous evidence for pathogenicity. (I) 0807 - This variant has no previous evidence of pathogenicity. (I) 0905 - No published segregation evidence has been identified for this variant. (I) 1007 - No published functional evidence has been identified for this variant. (SP) Legend: (SP) - Supporting pathogenic, (I) - Information, (SB) - Supporting benign